The following is an entry in ClinVar:

ClinVar aggregate classification (germline): Likely benign (1 of 4 stars; one submission).

Conditions:
Auriculocondylar syndrome 2 (ARCND2A). Also called: AURICULOCONDYLAR SYNDROME 2A. Identifiers: Orphanet 137888, MedGen C3553404, MONDO:0013845, OMIM 614669.

Allele frequency attached by ClinVar (database versions not stated): gnomAD exomes 0.00002 and 0.00003; ExAC 0.00003; gnomAD 0.00004 and 0.00005; TOPMed 0.00004; ESP Exome Variant Server 0.00023.
gnomAD v4.1: 41 of 1,613,866 alleles (0.0025%); highest among the groups gnomAD compares: Non-Finnish European, 0.0032%; no homozygotes.

Submission:

Illumina Laboratory Services, Illumina
Classification: Likely benign for Auriculocondylar syndrome 2. Last evaluated: 2018-01-12. Review status: criteria provided, single submitter. Criteria: ICSL Variant Classification Criteria 13 December 2019. Collection method: clinical testing. Allele origin: germline.
Comment: This variant was observed in the ICSL laboratory as part of a predisposition screen in an ostensibly healthy population. It had not been previously curated by ICSL or reported in the Human Gene Mutation Database (HGMD: prior to June 1st, 2018), and was therefore a candidate for classification through an automated scoring system. Utilizing variant allele frequency, disease prevalence and penetrance estimates, and inheritance mode, an automated score was calculated to assess if this variant is too frequent to cause the disease. Based on the score and internal cut-off values, a variant classified as likely benign is not then subjected to further curation. The score for this variant resulted in a classification of likely benign for this disease.

NM_001377142.1(PLCB4):c.936C>T (p.Tyr312=)

Gene: PLCB4 (phospholipase C beta 4; plus strand). Cytogenetic location: 20p12.2.
Variant type: single nucleotide variant.
Coding change: c.936C>T on transcript NM_001377142.1 (MANE Select); coding-DNA position 936, C replaced by T.
Protein change: p.Tyr312=; no amino-acid change (tyrosine 312 retained).
Molecular consequence: synonymous variant.
Genome position (GRCh38, 1-based): chr20:9,384,283, C>T. VCF-style: chr20-9384283-C-T. GRCh37 (hg19) VCF-style: chr20-9364930-C-T.
Other names: c.936C>T, p.Tyr312= (NM_000933.4, NM_001172646.2, NM_001377134.2 and 4 more transcripts).
Identifiers: ClinVar variation 896104 (VCV000896104.4), dbSNP rs138780838, ClinGen allele CA9760951.